The following is an entry in ClinVar:

NM_001384732.1(CPLANE1):c.6302G>T (p.Arg2101Ile)

Gene: CPLANE1 (ciliogenesis and planar polarity effector complex subunit 1; minus strand). Cytogenetic location: 5p13.2.
Variant type: single nucleotide variant.
Coding change: c.6302G>T on transcript NM_001384732.1 (MANE Select); coding-DNA position 6302, G replaced by T.
Protein change: p.Arg2101Ile; replaces arginine 2101 with isoleucine.
Molecular consequence: missense variant.
Genome position (GRCh38, 1-based): chr5:37,170,201, C>A on the plus strand (G>T on the coding strand, the complement: CPLANE1 is on the minus strand). VCF-style: chr5-37170201-C-A. GRCh37 (hg19) VCF-style: chr5-37170303-C-A.
Other names: c.6302G>T, p.Arg2101Ile (NM_023073.4); short protein forms R2101I.
Identifiers: ClinVar variation 1002773 (VCV001002773.8), dbSNP rs771457677, ClinGen allele CA3238288.

ClinVar aggregate classification (germline): Conflicting classifications of pathogenicity. Review status: criteria provided, conflicting classifications (1 of 4 stars). 4 submissions from 4 submitters: Uncertain significance (3); Likely benign (1). Last evaluated 2023-04-24.

Conditions:
Joubert syndrome 17 (JBTS17). Identifiers: Orphanet 475, MedGen C3553264, MONDO:0013824, OMIM 614615.
Orofaciodigital syndrome type 6 (OFD6). Also called: Oral-facial-digital syndrome type 6; Central polydactyly cleft lip/palate or lingual lump and psychomotor retardation; Y-shaped central metacarpal and cerebellar defect; Joubert syndrome with orofacialdigital anomalies; OFDS VI; POLYDACTYLY, CLEFT LIP/PALATE OR LINGUAL LUMP, AND PSYCHOMOTOR RETARDATION. Identifiers: Orphanet 2754, MedGen C2745997, MONDO:0010176, OMIM 277170.

Allele frequency attached by ClinVar (database versions not stated): ExAC 0.00007.
gnomAD v4.1: 24 of 1,614,166 alleles (0.0015%); highest among the groups gnomAD compares: Admixed American, 0.04%; no homozygotes.

Submissions (4):

Labcorp Genetics (formerly Invitae), Labcorp
Classification: Uncertain significance. Last evaluated: 2023-04-24. Review status: criteria provided, single submitter. Criteria: Invitae Variant Classification Sherloc (09022015). Collection method: clinical testing. Allele origin: germline.
Comment: In summary, the available evidence is currently insufficient to determine the role of this variant in disease. Therefore, it has been classified as a Variant of Uncertain Significance. Advanced modeling of protein sequence and biophysical properties (such as structural, functional, and spatial information, amino acid conservation, physicochemical variation, residue mobility, and thermodynamic stability) performed at Invitae indicates that this missense variant is not expected to disrupt CPLANE1 protein function. ClinVar contains an entry for this variant (Variation ID: 1002773). This variant has not been reported in the literature in individuals affected with CPLANE1-related conditions. This variant is present in population databases (rs771457677, gnomAD 0.05%). This sequence change replaces arginine, which is basic and polar, with isoleucine, which is neutral and non-polar, at codon 2101 of the CPLANE1 protein (p.Arg2101Ile).

Blueprint Genetics
Classification: Likely benign. Last evaluated: 2022-06-29. Review status: criteria provided, single submitter. Criteria: ACMG Guidelines, 2015. Collection method: clinical testing. Allele origin: germline.

Fulgent Genetics
Classification: Uncertain significance for Orofaciodigital syndrome type 6; Joubert syndrome 17. Last evaluated: 2021-12-01. Review status: criteria provided, single submitter. Criteria: ACMG Guidelines, 2015. Collection method: clinical testing. Allele origin: unknown.

Baylor Genetics
Classification: Uncertain significance for Joubert syndrome 17. Last evaluated: 2018-02-13. Review status: criteria provided, single submitter. Criteria: ACMG Guidelines, 2015. Collection method: clinical testing. Allele origin: paternal. Affected: yes.
Comment: This variant was determined to be of uncertain significance according to ACMG Guidelines, 2015 [PMID:25741868].